The following is an entry in ClinVar:

NM_001379451.1(BCORL1):c.341C>A (p.Pro114His)

Gene: BCORL1 (BCL6 corepressor like 1; plus strand). Cytogenetic location: Xq26.1.
Variant type: single nucleotide variant.
Coding change: c.341C>A on transcript NM_001379451.1 (MANE Select); coding-DNA position 341, C replaced by A.
Protein change: p.Pro114His; replaces proline 114 with histidine.
Molecular consequence: missense variant.
Genome position (GRCh38, 1-based): chrX:130,013,113, C>A. VCF-style: chrX-130013113-C-A. GRCh37 (hg19) VCF-style: chrX-129147089-C-A.
Other names: c.341C>A, p.Pro114His (NM_001184772.3, NM_001379450.1, NM_021946.5); short protein forms P114H.
Identifiers: ClinVar variation 1703956 (VCV001703956.3), dbSNP rs1172667160, ClinGen allele CA414568813.

ClinVar aggregate classification (germline): Uncertain significance (1 of 4 stars; one submission).

Allele frequency attached by ClinVar (database versions not stated): TOPMed 0.00003.
gnomAD v4.1: 5 of 1,210,179 alleles (0.00041%); no homozygotes.

Submission:

GeneDx
Classification: Uncertain significance. Last evaluated: 2024-07-23. Review status: criteria provided, single submitter. Criteria: GeneDx Variant Classification Process June 2021. Collection method: clinical testing. Allele origin: germline. Affected: yes.
Comment: Not observed at significant frequency in large population cohorts (gnomAD); In silico analysis indicates that this missense variant does not alter protein structure/function; Has not been previously published as pathogenic or benign to our knowledge